The following is an entry in ClinVar:

NM_000051.4(ATM):c.8757C>T (p.Gly2919=)

Genes: ATM (ATM serine/threonine kinase; plus strand), C11orf65 (chromosome 11 open reading frame 65; minus strand). Cytogenetic location: 11q22.3.
Variant type: single nucleotide variant.
Coding change: c.8757C>T on transcript NM_000051.4 (MANE Select); coding-DNA position 8757, C replaced by T.
Protein change: p.Gly2919=; no amino-acid change (glycine 2919 retained).
Molecular consequence: synonymous variant. On other transcripts: intron variant (2).
Genome position (GRCh38, 1-based): chr11:108,353,851, C>T. VCF-style: chr11-108353851-C-T. GRCh37 (hg19) VCF-style: chr11-108224578-C-T.
Other names: c.8757C>T, p.Gly2919= (NM_001351834.2); c.640+32069G>A (NM_001330368.2); c.695-18559G>A (NM_001351110.2).
Identifiers: ClinVar variation 392883 (VCV000392883.17), dbSNP rs987508358, ClinGen allele CA16606220.

ClinVar aggregate classification (germline): Benign/Likely benign. Review status: criteria provided, multiple submitters, no conflicts (2 of 4 stars). 5 submissions from 5 submitters: Benign (1); Likely benign (4). Last evaluated 2026-01-12.

Conditions:
Hereditary cancer-predisposing syndrome. Also called: Neoplastic Syndromes, Hereditary; Hereditary Cancer Syndrome; Tumor predisposition; Hereditary neoplastic syndrome. Identifiers: Orphanet 140162, MedGen C0027672, MeSH D009386, MONDO:0015356.
Ataxia-telangiectasia syndrome (AT). Also called: LOUIS-BAR SYNDROME; Cerebello-oculocutaneous telangiectasia; Immunodeficiency with ataxia telangiectasia; Ataxia-telangiectasia, complementation group D; AT, COMPLEMENTATION GROUP C; Ataxia-telangiectasia, complementation group E. Identifiers: Orphanet 100, MedGen C0004135, MONDO:0008840, OMIM 208900.
Familial cancer of breast. Also called: Hereditary breast cancer; BREAST CANCER, FAMILIAL; hereditary breast carcinoma. Identifiers: Orphanet 227535, MedGen C0346153, MONDO:0016419, OMIM 114480. Disease mechanism: loss of function.

Allele frequency attached by ClinVar (database versions not stated): TOPMed below 0.00001.

Submissions (5):

Labcorp Genetics (formerly Invitae), Labcorp
Classification: Likely benign for Ataxia-telangiectasia syndrome. Last evaluated: 2026-01-12. Review status: criteria provided, single submitter. Criteria: Invitae Variant Classification Sherloc (09022015). Collection method: clinical testing. Allele origin: germline.

Myriad Genetics, Inc.
Classification: Benign for Familial cancer of breast. Last evaluated: 2024-06-20. Review status: criteria provided, single submitter. Criteria: Myriad Autosomal Dominant, Autosomal Recessive and X-Linked Classification Criteria (2023). Collection method: clinical testing. Allele origin: unknown.
Comment: This variant is considered benign. This variant is a silent/synonymous amino acid change and it is not expected to impact splicing.

Ambry Genetics
Classification: Likely benign for Hereditary cancer-predisposing syndrome. Last evaluated: 2019-03-25. Review status: criteria provided, single submitter. Criteria: Ambry Variant Classification Scheme 2023. Collection method: clinical testing. Allele origin: germline.

Color Diagnostics, LLC DBA Color Health
Classification: Likely benign for Hereditary cancer-predisposing syndrome. Last evaluated: 2018-07-23. Review status: criteria provided, single submitter. Criteria: ACMG Guidelines, 2015. Collection method: clinical testing. Allele origin: germline.

GeneDx
Classification: Likely benign. Last evaluated: 2017-01-12. Review status: criteria provided, single submitter. Criteria: GeneDx Variant Classification (06012015). Collection method: clinical testing. Allele origin: germline. Affected: yes.
Comment: This variant is considered likely benign or benign based on one or more of the following criteria: it is a conservative change, it occurs at a poorly conserved position in the protein, it is predicted to be benign by multiple in silico algorithms, and/or has population frequency not consistent with disease.